The following is an entry in ClinVar:

ClinVar aggregate classification (germline): Benign. Review status: criteria provided, single submitter (1 of 4 stars). 2 submissions from 2 submitters: Benign (1). 1 of the submissions does not count toward it. Last evaluated 2019-12-31.

Conditions:
OSBP-related disorder. Also called: OSBP-related condition.

Allele frequency attached by ClinVar (database versions not stated): gnomAD exomes 0.00111 and 0.00285; ExAC 0.00347; 1000 Genomes Project 0.01138; gnomAD 0.01153 and 0.01236; ESP Exome Variant Server 0.01214; TOPMed 0.01286; 1000 Genomes Project 30x 0.01296.

Submissions (2):

Labcorp Genetics (formerly Invitae), Labcorp
Classification: Benign. Last evaluated: 2019-12-31. Review status: criteria provided, single submitter. Criteria: Invitae Variant Classification Sherloc (09022015). Collection method: clinical testing. Allele origin: germline.

PreventionGenetics, part of Exact Sciences
Classification: Benign for OSBP-related condition. Last evaluated: 2019-06-26. Review status: no assertion criteria provided. Collection method: clinical testing. Allele origin: germline. Not counted in ClinVar's aggregate classification.
Comment: This variant is classified as benign based on ACMG/AMP sequence variant interpretation guidelines (Richards et al. 2015 PMID: 25741868, with internal and published modifications).

NM_002556.3(OSBP):c.1312-4del

Gene: OSBP (oxysterol binding protein; minus strand). Cytogenetic location: 11q12.1.
Variant type: Deletion.
Coding change: c.1312-4del on transcript NM_002556.3 (MANE Select); 4 bases into the intron before coding-DNA position 1312, one base deleted (A; older notation c.1312-4delA).
Molecular consequence: intron variant.
Genome position (GRCh38, 1-based): chr11:59,594,259, T deleted on the plus strand (A on the coding strand, the reverse complement: OSBP is on the minus strand). VCF-style (leftmost placement, unchanged base first): chr11-59594258-GT-G. GRCh37 (hg19) VCF-style: chr11-59361731-GT-G.
Other names: c.1312-4del (NM_002556.2).
Identifiers: ClinVar variation 780974 (VCV000780974.6), dbSNP rs568680226, ClinGen allele CA6019607.